The following is an entry in ClinVar:

ClinVar aggregate classification (germline): Uncertain significance (1 of 4 stars; one submission).

Allele frequency attached by ClinVar (database versions not stated): gnomAD 0.00001; ExAC 0.00002; TOPMed 0.00005; ESP Exome Variant Server 0.00008.
gnomAD v4.1: 11 of 1,613,392 alleles (0.00068%); highest among the groups gnomAD compares: Middle Eastern, 0.017%; no homozygotes.

Submission:

Labcorp Genetics (formerly Invitae), Labcorp
Classification: Uncertain significance. Last evaluated: 2022-08-16. Review status: criteria provided, single submitter. Criteria: Invitae Variant Classification Sherloc (09022015). Collection method: clinical testing. Allele origin: germline.
Comment: This sequence change replaces arginine, which is basic and polar, with tryptophan, which is neutral and slightly polar, at codon 373 of the ALDH3A2 protein (p.Arg373Trp). This variant is present in population databases (rs372095991, gnomAD 0.009%). This variant has not been reported in the literature in individuals affected with ALDH3A2-related conditions. Algorithms developed to predict the effect of missense changes on protein structure and function output the following: SIFT: "Deleterious"; PolyPhen-2: "Benign"; Align-GVGD: "Class C25". The tryptophan amino acid residue is found in multiple mammalian species, which suggests that this missense change does not adversely affect protein function. In summary, the available evidence is currently insufficient to determine the role of this variant in disease. Therefore, it has been classified as a Variant of Uncertain Significance.

NM_000382.3(ALDH3A2):c.1117C>T (p.Arg373Trp)

Gene: ALDH3A2 (aldehyde dehydrogenase 3 family member A2; plus strand). Cytogenetic location: 17p11.2.
Variant type: single nucleotide variant.
Coding change: c.1117C>T on transcript NM_000382.3 (MANE Select); coding-DNA position 1117, C replaced by T.
Protein change: p.Arg373Trp; replaces arginine 373 with tryptophan.
Molecular consequence: missense variant.
Genome position (GRCh38, 1-based): chr17:19,664,957, C>T. VCF-style: chr17-19664957-C-T. GRCh37 (hg19) VCF-style: chr17-19568270-C-T.
Other names: c.1117C>T, p.Arg373Trp (NM_001031806.2, NM_001369136.1, NM_001369137.2 and 3 more transcripts); c.538C>T, p.Arg180Trp (NM_001369148.2); short protein forms R180W, R373W.
Identifiers: ClinVar variation 2198110 (VCV002198110.1), dbSNP rs372095991, ClinGen allele CA8443019.